The following is an entry in ClinVar:

ClinVar aggregate classification (germline): Pathogenic/Likely pathogenic. Review status: criteria provided, multiple submitters, no conflicts (2 of 4 stars). 11 submissions from 11 submitters: Pathogenic (8); Likely pathogenic (1). 2 of the submissions do not count toward it. Last evaluated 2025-07-13.

Conditions:
EYS-related disorder. Also called: EYS-related condition.
Retinal dystrophy. Also called: Inherited retinal dystrophy. Identifiers: Orphanet 71862, MedGen C0854723, MeSH D058499, MONDO:0019118, HP:0000556.
Retinitis pigmentosa (RP). Identifiers: Orphanet 791, MedGen C0035334, MeSH D012174, MONDO:0019200, OMIM 268000. Inheritance: Autosomal dominant, autosomal recessive and X linked inheritance.
Retinitis pigmentosa 25 (RP25). Identifiers: Orphanet 791, MedGen C1864446, MONDO:0011272, OMIM 602772.

Allele frequency attached by ClinVar (database versions not stated): gnomAD exomes below 0.00001 and 0.00001; TOPMed 0.00001.
gnomAD v4.1: 5 of 1,550,422 alleles (0.00032%); highest among the groups gnomAD compares: East Asian, 0.012%; no homozygotes.

Submissions (11):

Labcorp Genetics (formerly Invitae), Labcorp
Classification: Pathogenic. Last evaluated: 2025-07-13. Review status: criteria provided, single submitter. Criteria: Invitae Variant Classification Sherloc (09022015). Collection method: clinical testing. Allele origin: germline.
Comment: This sequence change creates a premature translational stop signal (p.Leu2671*) in the EYS gene. It is expected to result in an absent or disrupted protein product. Loss-of-function variants in EYS are known to be pathogenic (PMID: 18836446, 20333770). This variant is present in population databases (rs527236076, gnomAD 0.03%). This premature translational stop signal has been observed in individual(s) with retinitis pigmentosa (PMID: 25356976). ClinVar contains an entry for this variant (Variation ID: 143113). For these reasons, this variant has been classified as Pathogenic.

SingHealth Duke-NUS Institute of Precision Medicine
Classification: Likely pathogenic for Retinitis pigmentosa 25. Last evaluated: 2025-02-05. Review status: criteria provided, single submitter. Criteria: PRISM ACMG Classification Criteria. Collection method: clinical testing. Allele origin: germline. Affected: yes.
Comment: Variant is predicted to cause nonsense-mediated decay in a gene where LOF is a known cause of pathogenicity (PVS1). Homozygous allele count in gnomAD exomes and genomes are less than 0 (PM2)

Natera, Inc.
Classification: Pathogenic for Retinitis pigmentosa type 25. Last evaluated: 2024-07-02. Review status: criteria provided, single submitter. Criteria: Natera Variant Classification Schema (03/2026). Collection method: clinical testing. Allele origin: germline.
Comment: The c.8012T>A variant in EYS is a nonsense variant predicted to introduce a stop codon at amino acid 2671. This variant is expected to result in nonsense mediated decay, truncation, or a dysfunctional protein product. This variant is rare in the general population with a frequency below the threshold expected for the associated phenotype(s). This variant has been observed in one or more individuals affected with the associated recessive disease, as either homozygous or compound heterozygous with a second variant (PMID: 32098976). This variant has been found together with another disease-causing variant in the same copy of the gene (PMID: 30804660). Given the available evidence, this variant is classified as Pathogenic.

Myriad Genetics, Inc.
Classification: Pathogenic for Retinitis pigmentosa 25. Last evaluated: 2024-05-14. Review status: criteria provided, single submitter. Criteria: Myriad Autosomal Dominant, Autosomal Recessive and X-Linked Classification Criteria (2023). Collection method: clinical testing. Allele origin: unknown.
Comment: NM_001142800.1(EYS):c.8012T>A(L2671*) is expected to be pathogenic in the context of retinitis pigmentosa, EYS-related. This variant is predicted to lead to an abnormal or absent protein product due to the creation of a premature termination codon in EYS, a gene where loss-of-function variants are known to be pathogenic. Please note: this variant was assessed in the context of healthy population screening.

Fulgent Genetics
Classification: Pathogenic for Retinitis pigmentosa 25. Last evaluated: 2024-05-09. Review status: criteria provided, single submitter. Criteria: ACMG Guidelines, 2015. Collection method: clinical testing. Allele origin: germline.

Baylor Genetics
Classification: Pathogenic for Retinitis pigmentosa 25. Last evaluated: 2023-10-10. Review status: criteria provided, single submitter. Criteria: ACMG Guidelines, 2015. Collection method: clinical testing. Allele origin: unknown.

Dept Of Ophthalmology, Nagoya University
Classification: Pathogenic for Retinal dystrophy. Last evaluated: 2023-10-01. Review status: criteria provided, single submitter. Criteria: Submitter's publication. Collection method: research. Allele origin: germline. Affected: yes.

Blueprint Genetics
Classification: Pathogenic for EYS-related disorders. Last evaluated: 2023-08-28. Review status: criteria provided, single submitter. Criteria: ACMG Guidelines, 2015. Collection method: clinical testing. Allele origin: germline. Affected: yes. Observed: 3 variant alleles.

Juno Genomics, Hangzhou Juno Genomics, Inc
Classification: Pathogenic for Retinitis pigmentosa 25. Review status: criteria provided, single submitter. Criteria: ACMG Guidelines, 2015. Collection method: clinical testing. Allele origin: germline.
Comment: Absent from controls (or at extremely low frequency if recessive) in Genome Aggregation Database.;Null variant in a gene where loss of function (LOF) is a known mechanism of disease.;For recessive disorders, detected in trans with a pathogenic variant.;Co-segregation with disease in multiple affected family members.

PreventionGenetics, part of Exact Sciences
Classification: Pathogenic for EYS-related condition. Last evaluated: 2023-11-28. Review status: no assertion criteria provided. Collection method: clinical testing. Allele origin: germline. Not counted in ClinVar's aggregate classification.
Comment: The EYS c.8012T>A variant is predicted to result in premature protein termination (p.Leu2671*). This variant, along with other variants in EYS, has been reported in individuals with inherited retinal dystrophy and retinitis pigmentosa (Supplemental Table S5, Huang et al. 2015. PubMed ID: 25356976; Sengillo et al. 2018. PubMed ID: 29550188; Sun et al. 2020. PubMed ID: 32100970). This variant is reported in 0.018% of alleles in individuals of East Asian descent in gnomAD. Nonsense variants in EYS are expected to be pathogenic. This variant is interpreted as pathogenic.

Department of Ophthalmology and Visual Sciences Kyoto University
Classification: Likely pathogenic for Retinitis pigmentosa. Review status: no assertion criteria provided. Collection method: not provided. Allele origin: unknown. Not counted in ClinVar's aggregate classification.
ClinVar note: Converted during submission from probable-pathogenic to Likely pathogenic.

Literature cited by the submitters: PubMed 18836446 (cited by Labcorp Genetics (formerly Invitae), Labcorp); PubMed 20333770 (cited by Labcorp Genetics (formerly Invitae), Labcorp); PubMed 25356976 (cited by Labcorp Genetics (formerly Invitae), Labcorp); PubMed 32098976 (cited by Natera, Inc.); PubMed 30804660 (cited by Natera, Inc.).

NM_001142800.2(EYS):c.8012T>A (p.Leu2671Ter)

Gene: EYS (EGF-like photoreceptor maintenance factor; minus strand). Cytogenetic location: 6q12.
Variant type: single nucleotide variant.
Coding change: c.8012T>A on transcript NM_001142800.2 (MANE Select); coding-DNA position 8012, T replaced by A.
Protein change: p.Leu2671Ter; replaces leucine 2671 with a stop codon.
Molecular consequence: nonsense.
Genome position (GRCh38, 1-based): chr6:63,762,520, A>T on the plus strand (T>A on the coding strand, the complement: EYS is on the minus strand). VCF-style: chr6-63762520-A-T. GRCh37 (hg19) VCF-style: chr6-64472413-A-T.
Other names: c.8012T>A, p.Leu2671Ter (NM_001292009.2); short protein forms L2671*.
Identifiers: ClinVar variation 143113 (VCV000143113.21), dbSNP rs527236076, ClinGen allele CA270067.
Genomic context (GRCh38, chr6:63,762,520, plus strand): 5'-CCTTGTTCACAGTAGATTCCAGTGGTTCCTAGAGGACAGAAACAGGTGTATCCATGAGGT[A>T]ATGAAATGCAGGTTGCTCCTCTGCTACAGTGGTGTGGAGGGTCATGTTCAGGATCACAGG-3'